The following is an entry in ClinVar:

NM_001032.5(RPS29):c.64C>A (p.Arg22Ser)

Gene: RPS29 (ribosomal protein S29; minus strand). Cytogenetic location: 14q21.3.
Variant type: single nucleotide variant.
Coding change: c.64C>A on transcript NM_001032.5 (MANE Select); coding-DNA position 64, C replaced by A.
Protein change: p.Arg22Ser; replaces arginine 22 with serine.
Molecular consequence: missense variant.
Genome position (GRCh38, 1-based): chr14:49,586,048, G>T on the plus strand (C>A on the coding strand, the complement: RPS29 is on the minus strand). VCF-style: chr14-49586048-G-T. GRCh37 (hg19) VCF-style: chr14-50052766-G-T.
Other names: c.64C>A, p.Arg22Ser (NM_001030001.4); c.55C>A, p.Arg19Ser (NM_001351375.2); short protein forms R22S, R19S.
Identifiers: ClinVar variation 1970489 (VCV001970489.5), dbSNP rs2502668987, ClinGen allele CA389755552.
Genomic context (GRCh38, chr14:49,586,048, plus strand): 5'-ACTGGCGGCACATATTGAGGCCATATTTCCGGATCAGACCGTGCCGGTTTGAACAGACAC[G>T]ACTGTAAGAAAAGAGACAGCGGTTTTGCAGGTCATAGAAATTACAAGACTCCGCACTCAG-3'
Protein context (NP_001023.1, residues 12-32): RKFGQGSRSC[Arg22Ser]VCSNRHGLIR

ClinVar aggregate classification (germline): Uncertain significance (1 of 4 stars; one submission).

Allele frequency attached by ClinVar (database versions not stated): gnomAD exomes below 0.00001.
gnomAD v4.1: 1 of 1,612,106 alleles (0.000062%); highest among the groups gnomAD compares: South Asian, 0.0011%; no homozygotes.

Submission:

Labcorp Genetics (formerly Invitae), Labcorp
Classification: Uncertain significance. Last evaluated: 2022-04-22. Review status: criteria provided, single submitter. Criteria: Invitae Variant Classification Sherloc (09022015). Collection method: clinical testing. Allele origin: germline.
Comment: In summary, the available evidence is currently insufficient to determine the role of this variant in disease. Therefore, it has been classified as a Variant of Uncertain Significance. Algorithms developed to predict the effect of sequence changes on RNA splicing suggest that this variant may create or strengthen a splice site. Algorithms developed to predict the effect of missense changes on protein structure and function are either unavailable or do not agree on the potential impact of this missense change (SIFT: "Deleterious"; PolyPhen-2: "Benign"; Align-GVGD: "Class C65"). This variant has not been reported in the literature in individuals affected with RPS29-related conditions. This variant is not present in population databases (gnomAD no frequency). This sequence change replaces arginine, which is basic and polar, with serine, which is neutral and polar, at codon 22 of the RPS29 protein (p.Arg22Ser).